The following is an entry in ClinVar:

NM_006734.4(HIVEP2):c.5339G>T (p.Gly1780Val)

Gene: HIVEP2 (HIVEP zinc finger 2; minus strand). Cytogenetic location: 6q24.2.
Variant type: single nucleotide variant.
Coding change: c.5339G>T on transcript NM_006734.4 (MANE Select); coding-DNA position 5339, G replaced by T.
Protein change: p.Gly1780Val; replaces glycine 1780 with valine.
Molecular consequence: missense variant.
Genome position (GRCh38, 1-based): chr6:142,768,385, C>A on the plus strand (G>T on the coding strand, the complement: HIVEP2 is on the minus strand). VCF-style: chr6-142768385-C-A. GRCh37 (hg19) VCF-style: chr6-143089522-C-A.
Other names: short protein forms G1780V.
Identifiers: ClinVar variation 2577678 (VCV002577678.1), dbSNP rs2482810542, ClinGen allele CA365892967.

ClinVar aggregate classification (germline): Uncertain significance (1 of 4 stars; one submission).

Submission:

GeneDx
Classification: Uncertain significance. Last evaluated: 2023-02-22. Review status: criteria provided, single submitter. Criteria: GeneDx Variant Classification Process June 2021. Collection method: clinical testing. Allele origin: germline. Affected: yes.
Comment: Not observed at significant frequency in large population cohorts (gnomAD); In silico analysis supports that this missense variant has a deleterious effect on protein structure/function; Has not been previously published as pathogenic or benign to our knowledge